The following is an entry in ClinVar:

ClinVar aggregate classification (germline): Conflicting classifications of pathogenicity. Review status: criteria provided, conflicting classifications (1 of 4 stars). 2 submissions from 2 submitters: Uncertain significance (1); Likely benign (1). Last evaluated 2025-04-18.

Conditions:
Cardiovascular phenotype. Identifiers: MedGen CN230736.

Allele frequency attached by ClinVar (database versions not stated): gnomAD 0.00001; gnomAD exomes 0.00001; TOPMed 0.00001.
gnomAD v4.1: 4 of 1,613,212 alleles (0.00025%); highest among the groups gnomAD compares: Admixed American, 0.0033%; no homozygotes.

Submissions (2):

Ambry Genetics
Classification: Likely benign for Cardiovascular phenotype. Last evaluated: 2025-04-18. Review status: criteria provided, single submitter. Criteria: Ambry Variant Classification Scheme 2023. Collection method: clinical testing. Allele origin: germline.

Labcorp Genetics (formerly Invitae), Labcorp
Classification: Uncertain significance. Last evaluated: 2022-06-10. Review status: criteria provided, single submitter. Criteria: Invitae Variant Classification Sherloc (09022015). Collection method: clinical testing. Allele origin: germline.
Comment: In summary, the available evidence is currently insufficient to determine the role of this variant in disease. Therefore, it has been classified as a Variant of Uncertain Significance. Algorithms developed to predict the effect of missense changes on protein structure and function output the following: SIFT: "Not Available"; PolyPhen-2: "Benign"; Align-GVGD: "Not Available". The arginine amino acid residue is found in multiple mammalian species, which suggests that this missense change does not adversely affect protein function. This variant has not been reported in the literature in individuals affected with LOX-related conditions. This variant is present in population databases (no rsID available, gnomAD 0.003%). This sequence change replaces glutamine, which is neutral and polar, with arginine, which is basic and polar, at codon 145 of the LOX protein (p.Gln145Arg).

NM_002317.7(LOX):c.434A>G (p.Gln145Arg)

Genes: LOX (lysyl oxidase; minus strand), SRFBP1 (serum response factor binding protein 1; plus strand). Cytogenetic location: 5q23.1.
Variant type: single nucleotide variant.
Coding change: c.434A>G on transcript NM_002317.7 (MANE Select); coding-DNA position 434, A replaced by G.
Protein change: p.Gln145Arg; replaces glutamine 145 with arginine.
Molecular consequence: missense variant.
Genome position (GRCh38, 1-based): chr5:122,077,552, T>C on the plus strand (A>G on the coding strand, the complement: LOX is on the minus strand). VCF-style: chr5-122077552-T-C. GRCh37 (hg19) VCF-style: chr5-121413247-T-C.
Other names: c.434A>G (NM_002317.5); short protein forms Q145R.
Identifiers: ClinVar variation 1927943 (VCV001927943.6), dbSNP rs1176843691, ClinGen allele CA360876241.